The following is an entry in ClinVar:

ClinVar aggregate classification (germline): Likely benign. Review status: criteria provided, multiple submitters, no conflicts (2 of 4 stars). 3 submissions from 3 submitters: Likely benign (2). 1 of the submissions does not count toward it. Last evaluated 2025-04-28.

Conditions:
ALDOB-related disorder. Also called: ALDOB-related condition.
Hereditary fructosuria. Also called: ALDOB DEFICIENCY; ALDOLASE B DEFICIENCY; FRUCTOSE-1,6-BISPHOSPHATE ALDOLASE B DEFICIENCY; FRUCTOSE-1-PHOSPHATE ALDOLASE DEFICIENCY; FRUCTOSEMIA; Fructose intolerance. Identifiers: Orphanet 469, MedGen C0016751, MONDO:0009249, OMIM 229600, HP:0005973. Disease mechanism: loss of function.

Allele frequency attached by ClinVar (database versions not stated): gnomAD 0.00001; TOPMed 0.00002.
gnomAD v4.1: 23 of 1,614,068 alleles (0.0014%); highest among the groups gnomAD compares: Non-Finnish European, 0.0019%; no homozygotes.

Submissions (3):

PreventionGenetics, part of Exact Sciences
Classification: Likely benign for ALDOB-related condition. Last evaluated: 2025-04-28. Review status: criteria provided, single submitter. Criteria: ACMG Guidelines, 2015. Collection method: clinical testing. Allele origin: germline.
Comment: This variant is classified as likely benign based on ACMG/AMP sequence variant interpretation guidelines (Richards et al. 2015 PMID: 25741868, with internal and published modifications).

Labcorp Genetics (formerly Invitae), Labcorp
Classification: Likely benign for Hereditary fructosuria. Last evaluated: 2024-01-27. Review status: criteria provided, single submitter. Criteria: Invitae Variant Classification Sherloc (09022015). Collection method: clinical testing. Allele origin: germline.

Natera, Inc.
Classification: Likely benign for Fructose intolerance. Last evaluated: 2020-03-29. Review status: no assertion criteria provided. Collection method: clinical testing. Allele origin: germline. Not counted in ClinVar's aggregate classification.

NM_000035.4(ALDOB):c.873T>A (p.Pro291=)

Gene: ALDOB (aldolase, fructose-bisphosphate B; minus strand). Cytogenetic location: 9q31.1.
Variant type: single nucleotide variant.
Coding change: c.873T>A on transcript NM_000035.4 (MANE Select); coding-DNA position 873, T replaced by A.
Protein change: p.Pro291=; no amino-acid change (proline 291 retained).
Molecular consequence: synonymous variant.
Genome position (GRCh38, 1-based): chr9:101,424,969, A>T on the plus strand (T>A on the coding strand, the complement: ALDOB is on the minus strand). VCF-style: chr9-101424969-A-T. GRCh37 (hg19) VCF-style: chr9-104187251-A-T.
Identifiers: ClinVar variation 796044 (VCV000796044.15), dbSNP rs765247994, ClinGen allele CA5161438.